The following is an entry in ClinVar:

ClinVar aggregate classification (germline): Uncertain significance. Review status: criteria provided, multiple submitters, no conflicts (2 of 4 stars). 2 submissions from 2 submitters: Uncertain significance (2). Last evaluated 2023-12-11.

Conditions:
Inborn genetic diseases. Identifiers: MedGen C0950123, MeSH D030342.

gnomAD v4.1: 23 of 1,551,872 alleles (0.0015%); highest among the groups gnomAD compares: Admixed American, 0.0039%; no homozygotes.

Submissions (2):

Labcorp Genetics (formerly Invitae), Labcorp
Classification: Uncertain significance. Last evaluated: 2023-12-11. Review status: criteria provided, single submitter. Criteria: Invitae Variant Classification Sherloc (09022015). Collection method: clinical testing. Allele origin: germline.
Comment: This sequence change replaces threonine, which is neutral and polar, with methionine, which is neutral and non-polar, at codon 2400 of the CHD8 protein (p.Thr2400Met). This variant is present in population databases (rs753527616, gnomAD no frequency). This variant has not been reported in the literature in individuals affected with CHD8-related conditions. ClinVar contains an entry for this variant (Variation ID: 1757610). An algorithm developed to predict the effect of missense changes on protein structure and function (PolyPhen-2) suggests that this variant is likely to be disruptive. In summary, the available evidence is currently insufficient to determine the role of this variant in disease. Therefore, it has been classified as a Variant of Uncertain Significance.

Ambry Genetics
Classification: Uncertain significance for Inborn genetic diseases. Last evaluated: 2017-09-21. Review status: criteria provided, single submitter. Criteria: Ambry Variant Classification Scheme 2023. Collection method: clinical testing. Allele origin: germline.
Comment: The p.T2400M variant (also known as c.7199C>T), located in coding exon 37 of the CHD8 gene, results from a C to T substitution at nucleotide position 7199. The threonine at codon 2400 is replaced by methionine, an amino acid with similar properties. This amino acid position is well conserved in available vertebrate species. In addition, the in silico prediction for this alteration is inconclusive. Since supporting evidence is limited at this time, the clinical significance of this alteration remains unclear.

NM_001170629.2(CHD8):c.7199C>T (p.Thr2400Met)

Gene: CHD8 (chromodomain helicase DNA binding protein 8; minus strand). Cytogenetic location: 14q11.2.
Variant type: single nucleotide variant.
Coding change: c.7199C>T on transcript NM_001170629.2 (MANE Select); coding-DNA position 7199, C replaced by T.
Protein change: p.Thr2400Met; replaces threonine 2400 with methionine.
Molecular consequence: missense variant.
Genome position (GRCh38, 1-based): chr14:21,386,160, G>A on the plus strand (C>T on the coding strand, the complement: CHD8 is on the minus strand). VCF-style: chr14-21386160-G-A. GRCh37 (hg19) VCF-style: chr14-21854319-G-A.
Other names: c.6362C>T, p.Thr2121Met (NM_020920.4); short protein forms T2121M, T2400M.
Identifiers: ClinVar variation 1757610 (VCV001757610.5), dbSNP rs753527616, ClinGen allele CA257584981.
Genomic context (GRCh38, chr14:21,386,160, plus strand): 5'-CGGGCCCGCTTCTTGCTGCTCTCTGGTGCAATAGGCCCTGGCAAAACCCGGTTGAACACC[G>A]TTTCAGTGTGATGACCCTAGGAGGAGGGAATAGAAGATAATAAAAAGAAAGAAAGGGGAA-3'
Protein context (NP_001164100.1, residues 2390-2410): RNGKKGHHTE[Thr2400Met]VFNRVLPGPI